The following is an entry in ClinVar:

ClinVar aggregate classification (germline): Uncertain significance (1 of 4 stars; one submission).

gnomAD v4.1: 1 of 1,208,543 alleles (0.000083%); no homozygotes.

Submission:

GeneDx
Classification: Uncertain significance. Last evaluated: 2025-06-18. Review status: criteria provided, single submitter. Criteria: GeneDx Variant Classification Process June 2021. Collection method: clinical testing. Allele origin: germline. Affected: yes.
Comment: Not observed at significant frequency in large population cohorts (gnomAD); In silico analysis suggests that this missense variant does not alter protein structure/function; Has not been previously published as pathogenic or benign to our knowledge

NM_012310.5(KIF4A):c.3505G>A (p.Glu1169Lys)

Gene: KIF4A (kinesin family member 4A; plus strand). Cytogenetic location: Xq13.1.
Variant type: single nucleotide variant.
Coding change: c.3505G>A on transcript NM_012310.5 (MANE Select); coding-DNA position 3505, G replaced by A.
Protein change: p.Glu1169Lys; replaces glutamic acid 1169 with lysine.
Molecular consequence: missense variant.
Genome position (GRCh38, 1-based): chrX:70,420,071, G>A. VCF-style: chrX-70420071-G-A. GRCh37 (hg19) VCF-style: chrX-69639921-G-A.
Other names: short protein forms E1169K.
Identifiers: ClinVar variation 4538760 (VCV004538760.1).
Genomic context (GRCh38, chrX:70,420,071, plus strand): 5'-AGCTTCTGCCCCTTTCTAAAGTCTATTCATACCTGTCTCTGTCCCTCCTAGATCCTGAAA[G>A]AGATGTGCGATGTGGAGCAGGTGCTGTCAAAGAAGACTCCCCCAGCTCCCTCCCCTTTTG-3'
Protein context (NP_036442.3, residues 1159-1179): CATPNSKILK[Glu1169Lys]MCDVEQVLSK